The following is an entry in ClinVar:

NM_000135.4(FANCA):c.1736A>G (p.Tyr579Cys)

Gene: FANCA (FA complementation group A; minus strand). Cytogenetic location: 16q24.3.
Variant type: single nucleotide variant.
Coding change: c.1736A>G on transcript NM_000135.4 (MANE Select); coding-DNA position 1736, A replaced by G.
Protein change: p.Tyr579Cys; replaces tyrosine 579 with cysteine.
Molecular consequence: missense variant.
Genome position (GRCh38, 1-based): chr16:89,778,983, T>C on the plus strand (A>G on the coding strand, the complement: FANCA is on the minus strand). VCF-style: chr16-89778983-T-C. GRCh37 (hg19) VCF-style: chr16-89845391-T-C.
Other names: c.1736A>G, p.Tyr579Cys (NM_001286167.3); short protein forms Y579C.
Identifiers: ClinVar variation 2145523 (VCV002145523.5), dbSNP rs2143424570, ClinGen allele CA397454873.

ClinVar aggregate classification (germline): Uncertain significance. Review status: criteria provided, multiple submitters, no conflicts (2 of 4 stars). 2 submissions from 2 submitters: Uncertain significance (2). Last evaluated 2026-06-16.

Conditions:
Inborn genetic diseases. Identifiers: MedGen C0950123, MeSH D030342.
Fanconi anemia (FA). Also called: Fanconi's anemia. Identifiers: Orphanet 84, MedGen C0015625, MeSH D005199, MONDO:0019391.

Submissions (2):

Ambry Genetics
Classification: Uncertain significance for Inborn genetic diseases. Last evaluated: 2026-06-16. Review status: criteria provided, single submitter. Criteria: Ambry Variant Classification Scheme 2023. Collection method: clinical testing. Allele origin: germline.
Comment: The p.Y579C variant (also known as c.1736A>G), located in coding exon 19 of the FANCA gene, results from an A to G substitution at nucleotide position 1736. The tyrosine at codon 579 is replaced by cysteine, an amino acid with highly dissimilar properties. This amino acid position is conserved. In addition, this alteration is predicted to be deleterious by in silico analysis. Based on the available evidence, the clinical significance of this variant remains unclear.

Labcorp Genetics (formerly Invitae), Labcorp
Classification: Uncertain significance for Fanconi anemia. Last evaluated: 2022-03-18. Review status: criteria provided, single submitter. Criteria: Invitae Variant Classification Sherloc (09022015). Collection method: clinical testing. Allele origin: germline.
Comment: Advanced modeling of protein sequence and biophysical properties (such as structural, functional, and spatial information, amino acid conservation, physicochemical variation, residue mobility, and thermodynamic stability) performed at Invitae indicates that this missense variant is expected to disrupt FANCA protein function. This sequence change replaces tyrosine, which is neutral and polar, with cysteine, which is neutral and slightly polar, at codon 579 of the FANCA protein (p.Tyr579Cys). This variant is not present in population databases (gnomAD no frequency). This variant has not been reported in the literature in individuals affected with FANCA-related conditions. In summary, the available evidence is currently insufficient to determine the role of this variant in disease. Therefore, it has been classified as a Variant of Uncertain Significance.